The following is an entry in ClinVar:

NM_014956.5(CEP164):c.2668C>T (p.Arg890Cys)

Gene: CEP164 (centrosomal protein 164; plus strand). Cytogenetic location: 11q23.3.
Variant type: single nucleotide variant.
Coding change: c.2668C>T on transcript NM_014956.5 (MANE Select); coding-DNA position 2668, C replaced by T.
Protein change: p.Arg890Cys; replaces arginine 890 with cysteine.
Molecular consequence: missense variant.
Genome position (GRCh38, 1-based): chr11:117,394,401, C>T. VCF-style: chr11-117394401-C-T. GRCh37 (hg19) VCF-style: chr11-117265117-C-T.
Other names: c.2677C>T, p.Arg893Cys (NM_001271933.2); short protein forms R893C, R890C.
Identifiers: ClinVar variation 1519804 (VCV001519804.10), dbSNP rs772514202, ClinGen allele CA6295178.

ClinVar aggregate classification (germline): Uncertain significance. Review status: criteria provided, multiple submitters, no conflicts (2 of 4 stars). 3 submissions from 3 submitters: Uncertain significance (2). 1 of the submissions does not count toward it. Last evaluated 2023-08-18.

Conditions:
Nephronophthisis 15 (NPHP15). Identifiers: Orphanet 3156, MedGen C3541853, MONDO:0013917, OMIM 614845.
Retinal dystrophy. Also called: Inherited retinal dystrophy. Identifiers: Orphanet 71862, MedGen C0854723, MeSH D058499, MONDO:0019118, HP:0000556.

Allele frequency attached by ClinVar (database versions not stated): gnomAD exomes below 0.00001 and 0.00001; gnomAD 0.00001; TOPMed 0.00001; ExAC 0.00002.
gnomAD v4.1: 5 of 1,612,402 alleles (0.00031%); highest among the groups gnomAD compares: Non-Finnish European, 0.00025%; no homozygotes.

Submissions (3):

Labcorp Genetics (formerly Invitae), Labcorp
Classification: Uncertain significance for Nephronophthisis 15. Last evaluated: 2023-08-18. Review status: criteria provided, single submitter. Criteria: Invitae Variant Classification Sherloc (09022015). Collection method: clinical testing. Allele origin: germline.
Comment: This sequence change replaces arginine, which is basic and polar, with cysteine, which is neutral and slightly polar, at codon 890 of the CEP164 protein (p.Arg890Cys). In summary, the available evidence is currently insufficient to determine the role of this variant in disease. Therefore, it has been classified as a Variant of Uncertain Significance. ClinVar contains an entry for this variant (Variation ID: 1519804). Advanced modeling of protein sequence and biophysical properties (such as structural, functional, and spatial information, amino acid conservation, physicochemical variation, residue mobility, and thermodynamic stability) performed at Invitae indicates that this missense variant is not expected to disrupt CEP164 protein function. This variant is present in population databases (rs772514202, gnomAD 0.007%). This variant has not been reported in the literature in individuals affected with CEP164-related conditions.

Fulgent Genetics
Classification: Uncertain significance for Nephronophthisis 15. Last evaluated: 2022-05-19. Review status: criteria provided, single submitter. Criteria: ACMG Guidelines, 2015. Collection method: clinical testing. Allele origin: unknown.

Institute of Human Genetics, Univ. Regensburg, Univ. Regensburg
Classification: Uncertain significance for Retinal dystrophy. Last evaluated: 2023-01-01. Review status: no assertion criteria provided. Criteria: ACMG Guidelines, 2015. Collection method: clinical testing. Allele origin: germline. Affected: yes. Not counted in ClinVar's aggregate classification.